The following is an entry in ClinVar:

ClinVar aggregate classification (germline): Uncertain significance. Review status: criteria provided, multiple submitters, no conflicts (2 of 4 stars). 2 submissions from 2 submitters: Uncertain significance (2). Last evaluated 2024-03-19.

Allele frequency attached by ClinVar (database versions not stated): ExAC 0.00017; 1000 Genomes Project 30x 0.00047; ESP Exome Variant Server 0.00048; 1000 Genomes Project 0.00060; TOPMed 0.00067.
gnomAD v4.1: 182 of 1,614,026 alleles (0.011%); highest among the groups gnomAD compares: African/African-American, 0.19%; no homozygotes.

Submissions (2):

Blueprint Genetics
Classification: Uncertain significance. Last evaluated: 2024-03-19. Review status: criteria provided, single submitter. Criteria: ACMG Guidelines, 2015. Collection method: clinical testing. Allele origin: germline.

Labcorp Genetics (formerly Invitae), Labcorp
Classification: Uncertain significance. Last evaluated: 2022-11-01. Review status: criteria provided, single submitter. Criteria: Invitae Variant Classification Sherloc (09022015). Collection method: clinical testing. Allele origin: germline.
Comment: This sequence change replaces valine, which is neutral and non-polar, with leucine, which is neutral and non-polar, at codon 442 of the KIAA1549 protein (p.Val442Leu). This variant is present in population databases (rs145624760, gnomAD 0.2%). This variant has not been reported in the literature in individuals affected with KIAA1549-related conditions. ClinVar contains an entry for this variant (Variation ID: 844124). Algorithms developed to predict the effect of missense changes on protein structure and function (SIFT, PolyPhen-2, Align-GVGD) all suggest that this variant is likely to be tolerated. In summary, the available evidence is currently insufficient to determine the role of this variant in disease. Therefore, it has been classified as a Variant of Uncertain Significance.

NM_001164665.2(KIAA1549):c.1324G>T (p.Val442Leu)

Gene: KIAA1549 (KIAA1549; minus strand). Cytogenetic location: 7q34.
Variant type: single nucleotide variant.
Coding change: c.1324G>T on transcript NM_001164665.2 (MANE Select); coding-DNA position 1324, G replaced by T.
Protein change: p.Val442Leu; replaces valine 442 with leucine.
Molecular consequence: missense variant.
Genome position (GRCh38, 1-based): chr7:138,918,302, C>A on the plus strand (G>T on the coding strand, the complement: KIAA1549 is on the minus strand). VCF-style: chr7-138918302-C-A. GRCh37 (hg19) VCF-style: chr7-138603048-C-A.
Other names: c.1324G>T, p.Val442Leu (NM_020910.3); short protein forms V442L.
Identifiers: ClinVar variation 844124 (VCV000844124.6), dbSNP rs145624760, ClinGen allele CA4506753.